The following is an entry in ClinVar:

NM_004465.2(FGF10):c.186C>A (p.Ser62Arg)

Gene: FGF10 (fibroblast growth factor 10; minus strand). Cytogenetic location: 5p12.
Variant type: single nucleotide variant.
Coding change: c.186C>A on transcript NM_004465.2 (MANE Select); coding-DNA position 186, C replaced by A.
Protein change: p.Ser62Arg; replaces serine 62 with arginine.
Molecular consequence: missense variant.
Genome position (GRCh38, 1-based): chr5:44,388,497, G>T on the plus strand (C>A on the coding strand, the complement: FGF10 is on the minus strand). VCF-style: chr5-44388497-G-T. GRCh37 (hg19) VCF-style: chr5-44388599-G-T.
Other names: short protein forms S62R.
Identifiers: ClinVar variation 353726 (VCV000353726.10), dbSNP rs886060654, ClinGen allele CA10621917.

ClinVar aggregate classification (germline): Conflicting classifications of pathogenicity. Review status: criteria provided, conflicting classifications (1 of 4 stars). 5 submissions from 5 submitters: Uncertain significance (3); Likely benign (1). 1 of the submissions does not count toward it. Last evaluated 2025-10-28.

Conditions:
FGF10-related disorder. Also called: FGF10-related condition.
Inborn genetic diseases. Identifiers: MedGen C0950123, MeSH D030342.
Congenital absence of salivary gland (ALSG). Also called: Salivary glands, absence of; Aplasia of lacrimal and salivary glands. Identifiers: Orphanet 86815, MedGen C0158667, MONDO:0008397, OMIM 180920.

Allele frequency attached by ClinVar (database versions not stated): TOPMed below 0.00001.
gnomAD v4.1: 15 of 1,614,140 alleles (0.00093%); highest among the groups gnomAD compares: Middle Eastern, 0.17%; no homozygotes.

Submissions (5):

Ambry Genetics
Classification: Uncertain significance for Inborn genetic diseases. Last evaluated: 2025-10-28. Review status: criteria provided, single submitter. Criteria: Ambry Variant Classification Scheme 2023. Collection method: clinical testing. Allele origin: germline.

Blueprint Genetics
Classification: Likely benign. Last evaluated: 2024-08-26. Review status: criteria provided, single submitter. Criteria: ACMG Guidelines, 2015. Collection method: clinical testing. Allele origin: germline.

Illumina Laboratory Services, Illumina
Classification: Uncertain significance for Congenital absence of salivary gland. Last evaluated: 2018-01-13. Review status: criteria provided, single submitter. Criteria: ICSL Variant Classification Criteria 13 December 2019. Collection method: clinical testing. Allele origin: germline.

Breakthrough Genomics
Classification: Uncertain significance. Review status: criteria provided, single submitter. Criteria: ACMG Guidelines, 2015. Collection method: not provided. Allele origin: germline. Inheritance: Autosomal dominant inheritance. Affected: yes.

PreventionGenetics, part of Exact Sciences
Classification: Uncertain significance for FGF10-related condition. Last evaluated: 2023-10-23. Review status: no assertion criteria provided. Collection method: clinical testing. Allele origin: germline. Not counted in ClinVar's aggregate classification.
Comment: The FGF10 c.186C>A variant is predicted to result in the amino acid substitution p.Ser62Arg. To our knowledge, this variant has not been reported in the literature. This variant is reported in 0.00088% of alleles in individuals of European (Non-Finnish) descent in gnomAD. At this time, the clinical significance of this variant is uncertain due to the absence of conclusive functional and genetic evidence.